The following is an entry in ClinVar:

ClinVar aggregate classification (germline): Benign (0 of 4 stars; one submission).

Conditions:
DCHS2-related disorder. Also called: DCHS2-related condition.

Allele frequency attached by ClinVar (database versions not stated): 1000 Genomes Project 30x 0.16599; 1000 Genomes Project 0.17113.
gnomAD v4.1: 287,610 of 1,550,418 alleles (19%); highest among the groups gnomAD compares: Admixed American, 32%; 28,621 homozygotes.

Submission:

PreventionGenetics, part of Exact Sciences
Classification: Benign for DCHS2-related condition. Last evaluated: 2019-10-18. Review status: no assertion criteria provided. Collection method: clinical testing. Allele origin: germline.
Comment: This variant is classified as benign based on ACMG/AMP sequence variant interpretation guidelines (Richards et al. 2015 PMID: 25741868, with internal and published modifications).

NM_001358235.2(DCHS2):c.1777C>G (p.Gln593Glu)

Gene: DCHS2 (dachsous cadherin-related 2; minus strand). Cytogenetic location: 4q31.3.
Variant type: single nucleotide variant.
Coding change: c.1777C>G on transcript NM_001358235.2 (MANE Select); coding-DNA position 1777, C replaced by G.
Protein change: p.Gln593Glu; replaces glutamine 593 with glutamic acid.
Molecular consequence: missense variant.
Genome position (GRCh38, 1-based): chr4:154,489,579, G>C on the plus strand (C>G on the coding strand, the complement: DCHS2 is on the minus strand). VCF-style: chr4-154489579-G-C. GRCh37 (hg19) VCF-style: chr4-155410731-G-C.
Other names: c.1777C>G, p.Gln593Glu (NM_001142552.2, NM_001412223.1); short protein forms Q593E.
Identifiers: ClinVar variation 3059784 (VCV003059784.2), dbSNP rs72731016, ClinGen allele CA3113797.